The following is an entry in ClinVar:

ClinVar aggregate classification (germline): Likely benign (0 of 4 stars; one submission).

Conditions:
MPZ-related disorder. Also called: MPZ-related condition; MPZ-related disorders.

gnomAD v4.1: 9 of 615,218 alleles (0.0015%); highest among the groups gnomAD compares: Non-Finnish European, 0.0026%; no homozygotes.

Submission:

PreventionGenetics, part of Exact Sciences
Classification: Likely benign for MPZ-related condition. Last evaluated: 2024-06-27. Review status: no assertion criteria provided. Collection method: clinical testing. Allele origin: germline.
Comment: This variant is classified as likely benign based on ACMG/AMP sequence variant interpretation guidelines (Richards et al. 2015 PMID: 25741868, with internal and published modifications).

NM_000530.8(MPZ):c.*157C>G

Gene: MPZ (myelin protein zero; minus strand). Cytogenetic location: 1q23.3.
Variant type: single nucleotide variant.
Coding change: c.*157C>G on transcript NM_000530.8 (MANE Select); 157 bases downstream of the stop codon, C replaced by G.
Molecular consequence: 3 prime UTR variant. On other transcripts: missense variant (1).
Genome position (GRCh38, 1-based): chr1:161,305,719, G>C on the plus strand (C>G on the coding strand, the complement: MPZ is on the minus strand). VCF-style: chr1-161305719-G-C. GRCh37 (hg19) VCF-style: chr1-161275509-G-C.
Other names: c.904C>G, p.Leu302Val (NM_001315491.2); short protein forms L302V.
Identifiers: ClinVar variation 3358506 (VCV003358506.1).
Genomic context (GRCh38, chr1:161,305,719, plus strand): 5'-AGGGCCTGGGGTGGGGGGGTGGCGATCACTTGTCCGAGTTCAGGCCCATCATGTTCTTGA[G>C]GGCGTTTTTGAGGCTGGTTCTGCTGGGGGACTTGACAGCAGGCCGGAGCTCCGGGCTCTG-3'